The following is an entry in ClinVar:

NM_020937.4(FANCM):c.2641G>A (p.Asp881Asn)

Gene: FANCM (FA complementation group M; plus strand). Cytogenetic location: 14q21.2.
Variant type: single nucleotide variant.
Coding change: c.2641G>A on transcript NM_020937.4 (MANE Select); coding-DNA position 2641, G replaced by A.
Protein change: p.Asp881Asn; replaces aspartic acid 881 with asparagine.
Molecular consequence: missense variant.
Genome position (GRCh38, 1-based): chr14:45,175,395, G>A. VCF-style: chr14-45175395-G-A. GRCh37 (hg19) VCF-style: chr14-45644598-G-A.
Other names: c.2563G>A, p.Asp855Asn (NM_001308133.2); short protein forms D855N, D881N.
Identifiers: ClinVar variation 1311048 (VCV001311048.3), dbSNP rs752252684, ClinGen allele CA7169384.

ClinVar aggregate classification (germline): Uncertain significance. Review status: criteria provided, multiple submitters, no conflicts (2 of 4 stars). 2 submissions from 2 submitters: Uncertain significance (2). Last evaluated 2025-02-15.

Conditions:
Inborn genetic diseases. Identifiers: MedGen C0950123, MeSH D030342.

Allele frequency attached by ClinVar (database versions not stated): gnomAD exomes below 0.00001 and 0.00001; ExAC 0.00001.
gnomAD v4.1: 7 of 1,562,296 alleles (0.00045%); highest among the groups gnomAD compares: Non-Finnish European, 0.00061%; no homozygotes.

Submissions (2):

Ambry Genetics
Classification: Uncertain significance for Inborn genetic diseases. Last evaluated: 2025-02-15. Review status: criteria provided, single submitter. Criteria: Ambry Variant Classification Scheme 2023. Collection method: clinical testing. Allele origin: germline.
Comment: The p.D881N variant (also known as c.2641G>A), located in coding exon 14 of the FANCM gene, results from a G to A substitution at nucleotide position 2641. The aspartic acid at codon 881 is replaced by asparagine, an amino acid with highly similar properties. This amino acid position is conserved. In addition, this alteration is predicted to be tolerated by in silico analysis. Based on the available evidence, the clinical significance of this variant remains unclear.

GeneDx
Classification: Uncertain significance. Last evaluated: 2019-12-04. Review status: criteria provided, single submitter. Criteria: GeneDx Variant Classification Process June 2021. Collection method: clinical testing. Allele origin: germline. Affected: yes.
Comment: Not observed at a significant frequency in large population cohorts (Lek et al., 2016); In silico analysis, which includes protein predictors and evolutionary conservation, supports that this variant does not alter protein structure/function; Has not been previously published as pathogenic or benign to our knowledge